The following is an entry in ClinVar:

NM_000173.7(GP1BA):c.571G>A (p.Asp191Asn)

Gene: GP1BA (glycoprotein Ib platelet subunit alpha; plus strand). Cytogenetic location: 17p13.2.
Variant type: single nucleotide variant.
Coding change: c.571G>A on transcript NM_000173.7 (MANE Select); coding-DNA position 571, G replaced by A.
Protein change: p.Asp191Asn; replaces aspartic acid 191 with asparagine.
Molecular consequence: missense variant.
Genome position (GRCh38, 1-based): chr17:4,933,175, G>A. VCF-style: chr17-4933175-G-A. GRCh37 (hg19) VCF-style: chr17-4836470-G-A.
Other names: c.571G>A (NM_000173.5); short protein forms D191N.
Identifiers: ClinVar variation 2647278 (VCV002647278.25), dbSNP rs779062552, ClinGen allele CA8314797.

ClinVar aggregate classification (germline): Uncertain significance. Review status: criteria provided, multiple submitters, no conflicts (2 of 4 stars). 2 submissions from 2 submitters: Uncertain significance (2). Last evaluated 2024-08-21.

Allele frequency attached by ClinVar (database versions not stated): TOPMed below 0.00001; ExAC 0.00001.

Submissions (2):

GeneDx
Classification: Uncertain significance. Last evaluated: 2024-08-21. Review status: criteria provided, single submitter. Criteria: GeneDx Variant Classification Process June 2021. Collection method: clinical testing. Allele origin: germline. Affected: yes.
Comment: In silico analysis indicates that this missense variant does not alter protein structure/function; Has not been previously published as pathogenic or benign to our knowledge

CeGaT Center for Human Genetics Tuebingen
Classification: Uncertain significance. Last evaluated: 2022-11-01. Review status: criteria provided, single submitter. Criteria: CeGaT Center For Human Genetics Tuebingen Variant Classification Criteria Version 2. Collection method: clinical testing. Allele origin: germline. Affected: yes. Observed: 1 variant allele.
Comment: GP1BA: PM2, BP4